The following is an entry in ClinVar:

ClinVar aggregate classification (germline): Uncertain significance (1 of 4 stars; one submission).

Conditions:
Koolen-de Vries syndrome (KDVS). Identifiers: Orphanet 96169, MedGen C1864871, MONDO:0012496, OMIM 610443.

Submission:

Labcorp Genetics (formerly Invitae), Labcorp
Classification: Uncertain significance for Koolen-de Vries syndrome. Last evaluated: 2021-02-14. Review status: criteria provided, single submitter. Criteria: Invitae Variant Classification Sherloc (09022015). Collection method: clinical testing. Allele origin: germline.
Comment: In summary, the available evidence is currently insufficient to determine the role of this variant in disease. Therefore, it has been classified as a Variant of Uncertain Significance. Algorithms developed to predict the effect of missense changes on protein structure and function are either unavailable or do not agree on the potential impact of this missense change (SIFT: "Deleterious"; PolyPhen-2: "Benign"; Align-GVGD: "Class C0"). This variant has not been reported in the literature in individuals with KANSL1-related conditions. This variant is not present in population databases (ExAC no frequency). This sequence change replaces glutamic acid with valine at codon 907 of the KANSL1 protein (p.Glu907Val). The glutamic acid residue is highly conserved and there is a moderate physicochemical difference between glutamic acid and valine.

NM_015443.4(KANSL1):c.2720A>T (p.Glu907Val)

Gene: KANSL1 (KAT8 regulatory NSL complex subunit 1). Cytogenetic location: 17q21.31.
Variant type: single nucleotide variant.
Coding change: c.2720A>T on transcript NM_015443.4 (MANE Select); coding-DNA position 2720, A replaced by T.
Protein change: p.Glu907Val; replaces glutamic acid 907 with valine.
Molecular consequence: missense variant.
Genome position (GRCh38, 1-based): chr17:46,033,407, T>A on the plus strand (A>T on the coding strand, the complement: KANSL1 is on the minus strand). VCF-style: chr17-46033407-T-A. GRCh37 (hg19) VCF-style: chr17-44110773-T-A.
Other names: c.2717A>T, p.Glu906Val (NM_001193465.2); c.2720A>T, p.Glu907Val (NM_001193466.2, NM_001379198.1); short protein forms E907V, E906V.
Identifiers: ClinVar variation 1407222 (VCV001407222.8), dbSNP rs2146318320, ClinGen allele CA399988498.